The following is an entry in ClinVar:

NM_001433705.1(NLRP5):c.1532G>A (p.Arg511His)

Gene: NLRP5 (NLR family pyrin domain containing 5; plus strand). Cytogenetic location: 19q13.43.
Variant type: single nucleotide variant.
Coding change: c.1532G>A on transcript NM_001433705.1 (MANE Select); coding-DNA position 1532, G replaced by A.
Protein change: p.Arg511His; replaces arginine 511 with histidine.
Molecular consequence: missense variant.
Genome position (GRCh38, 1-based): chr19:56,027,918, G>A. VCF-style: chr19-56027918-G-A. GRCh37 (hg19) VCF-style: chr19-56539284-G-A.
Other names: NM_153447.4:c.1685G>A; short protein forms R511H.
Identifiers: ClinVar variation 775432 (VCV000775432.36), dbSNP rs34175666, ClinGen allele CA9685639.
Genomic context (GRCh38, chr19:56,027,918, plus strand): 5'-GGAAGTCAGTGTTTGACGGTGACGACCTCATGGTTCAAGGACTCGGGGAGTCTGAGCTCC[G>A]TGCTCTGTTTCACATGAACATCCTTCTCCCAGACAGCCACTGTGAGGAGTACTACACCTT-3'
Protein context (NP_001420634.1, residues 501-521): MVQGLGESEL[Arg511His]ALFHMNILLP

ClinVar aggregate classification (germline): Likely benign. Review status: criteria provided, multiple submitters, no conflicts (2 of 4 stars). 3 submissions from 3 submitters: Likely benign (3). Last evaluated 2026-07-01.

Allele frequency attached by ClinVar (database versions not stated): 1000 Genomes Project 30x 0.00219; 1000 Genomes Project 0.00220; gnomAD 0.00446 and 0.00451; ExAC 0.00453; gnomAD exomes 0.00494 and 0.00686; TOPMed 0.00497; ESP Exome Variant Server 0.00616.
gnomAD v4.1: 10,699 of 1,613,756 alleles (0.66%); highest among the groups gnomAD compares: Middle Eastern, 1.1%; 45 homozygotes.

Submissions (3):

CeGaT Center for Human Genetics Tuebingen
Classification: Likely benign. Last evaluated: 2026-07-01. Review status: criteria provided, single submitter. Criteria: CeGaT Center For Human Genetics Tuebingen Variant Classification Criteria Version 2. Collection method: clinical testing. Allele origin: germline. Affected: yes. Observed: 9 variant alleles.
Comment: NLRP5: BP4, BS2

Labcorp Genetics (formerly Invitae), Labcorp
Classification: Likely benign. Last evaluated: 2019-12-31. Review status: criteria provided, single submitter. Criteria: Invitae Variant Classification Sherloc (09022015). Collection method: clinical testing. Allele origin: germline.

Breakthrough Genomics
Classification: Likely benign. Review status: criteria provided, single submitter. Criteria: ACMG Guidelines, 2015. Collection method: not provided. Allele origin: germline. Inheritance: Unknown mechanism. Affected: yes.